The following is an entry in ClinVar:

ClinVar aggregate classification (germline): Likely pathogenic (1 of 4 stars; one submission).

Conditions:
Multiple sulfatase deficiency (MSD). Also called: Mucosulfatidosis; Multiple Sulfatase Deficiency Disease; Sulfatidosis, Juvenile, Austin Type. Identifiers: Orphanet 585, MedGen C0268263, MONDO:0010088, OMIM 272200.

Submission:

Labcorp Genetics (formerly Invitae), Labcorp
Classification: Likely pathogenic for Multiple sulfatase deficiency. Last evaluated: 2022-07-12. Review status: criteria provided, single submitter. Criteria: Invitae Variant Classification Sherloc (09022015). Collection method: clinical testing. Allele origin: unknown.
Comment: In summary, the currently available evidence indicates that the variant is pathogenic, but additional data are needed to prove that conclusively. Therefore, this variant has been classified as Likely Pathogenic. This variant disrupts a region of the SUMF1 protein in which other variant(s) (p.Leu20Phe) have been observed in individuals with SUMF1-related conditions (PMID: 15146462). This suggests that this is a clinically significant region of the protein, and that variants that disrupt it are likely to be disease-causing. ClinVar contains an entry for this variant (Variation ID: 642142). This variant has not been reported in the literature in individuals affected with SUMF1-related conditions. This variant results in the deletion of part of exon 1 (c.25_270+3del) of the SUMF1 gene. It is expected to disrupt RNA splicing. Variants that disrupt the donor or acceptor splice site typically lead to a loss of protein function (PMID: 16199547), and loss-of-function variants in SUMF1 are known to be pathogenic (PMID: 12757705, 12757706, 25885655).

Literature cited by the submitters: PubMed 15146462; PubMed 16199547; PubMed 12757705; PubMed 12757706; PubMed 25885655.

NC_000003.11:g.(?_4508657)_(4508905_?)del

Gene: SUMF1 (sulfatase modifying factor 1; minus strand). Cytogenetic location: 3p26.1.
Variant type: Deletion.
Identifiers: ClinVar variation 3246854 (VCV003246854.1).